The following is an entry in ClinVar:

ClinVar aggregate classification (germline): Likely pathogenic (1 of 4 stars; one submission).

Conditions:
Primary ciliary dyskinesia 3. Identifiers: Orphanet 244, MedGen C1837618, MONDO:0012085, OMIM 608644.

gnomAD v4.1: 1 of 1,583,176 alleles (0.000063%); highest among the groups gnomAD compares: Non-Finnish European, 0.000086%; no homozygotes.

Submission:

Myriad Genetics, Inc.
Classification: Likely pathogenic for Primary ciliary dyskinesia 3. Last evaluated: 2025-09-09. Review status: criteria provided, single submitter. Criteria: Myriad Autosomal Dominant, Autosomal Recessive and X-Linked Classification Criteria (2023). Collection method: clinical testing. Allele origin: unknown.
Comment: NM_001369.2(DNAH5):c.1730+2T>A is a variant in a canonical splice site classified as likely pathogenic in the context of primary ciliary dyskinesia, DNAH5-related. c.1730+2T>A has not been observed in cases with relevant disease. Relevant functional assessments of this variant are not available in the literature. c.1730+2T>A has not been observed in referenced population frequency databases. In summary, NM_001369.2(DNAH5):c.1730+2T>A is a variant in a canonical splice site in a gene where loss of function is a known mechanism of disease and is predicted to disrupt protein function. Please note: this variant was assessed in the context of healthy population screening.

NM_001369.3(DNAH5):c.1730+2T>A

Gene: DNAH5 (dynein axonemal heavy chain 5; minus strand). Cytogenetic location: 5p15.2.
Variant type: single nucleotide variant.
Coding change: c.1730+2T>A on transcript NM_001369.3 (MANE Select); the canonical splice donor site of the intron after coding-DNA position 1730, T replaced by A.
Molecular consequence: splice donor variant.
Genome position (GRCh38, 1-based): chr5:13,902,051, A>T on the plus strand (T>A on the coding strand, the complement: DNAH5 is on the minus strand). VCF-style: chr5-13902051-A-T. GRCh37 (hg19) VCF-style: chr5-13902160-A-T.
Identifiers: ClinVar variation 5004155 (VCV005004155.1).
Genomic context (GRCh38, chr5:13,902,051, plus strand): 5'-AACAACAATAAAAGCTAAACTATCCCAATTTTAGAAAATAGACAATTTCTTGAAAATTTT[A>T]CCTTTCAAATTTCTTCAACATTCTTAGAGCTTGATTTGTGTTTTGAATCTTTGCAAATGT-3'